The following is an entry in ClinVar:

ClinVar aggregate classification (germline): Uncertain significance. Review status: criteria provided, multiple submitters, no conflicts (2 of 4 stars). 2 submissions from 2 submitters: Uncertain significance (2). Last evaluated 2024-12-12.

Conditions:
Early-infantile DEE. Also called: Early infantile epileptic encephalopathy with suppression bursts; Early infantile epileptic encephalopathy; Ohtahara syndrome. Identifiers: Orphanet 1934, MedGen C0393706, MONDO:0800491.

Allele frequency attached by ClinVar (database versions not stated): gnomAD exomes 0.00001; TOPMed below 0.00001.
gnomAD v4.1: 16 of 1,614,010 alleles (0.00099%); highest among the groups gnomAD compares: East Asian, 0.0022%; no homozygotes.

Submissions (2):

Labcorp Genetics (formerly Invitae), Labcorp
Classification: Uncertain significance for Early-infantile DEE. Last evaluated: 2024-12-12. Review status: criteria provided, single submitter. Criteria: Invitae Variant Classification Sherloc (09022015). Collection method: clinical testing. Allele origin: germline.
Comment: This sequence change replaces aspartic acid, which is acidic and polar, with asparagine, which is neutral and polar, at codon 1837 of the SPTAN1 protein (p.Asp1837Asn). This variant is present in population databases (rs747206756, gnomAD 0.003%). This missense change has been observed in individual(s) with seizures (PMID: 35571021). ClinVar contains an entry for this variant (Variation ID: 2436392). Invitae Evidence Modeling of protein sequence and biophysical properties (such as structural, functional, and spatial information, amino acid conservation, physicochemical variation, residue mobility, and thermodynamic stability) has been performed for this missense variant. However, the output from this modeling did not meet the statistical confidence thresholds required to predict the impact of this variant on SPTAN1 protein function. In summary, the available evidence is currently insufficient to determine the role of this variant in disease. Therefore, it has been classified as a Variant of Uncertain Significance.

Revvity Omics, Revvity
Classification: Uncertain significance. Last evaluated: 2023-06-16. Review status: criteria provided, single submitter. Criteria: ACMG Guidelines, 2015. Collection method: clinical testing. Allele origin: germline.

Literature cited by the submitters: PubMed 35571021 (cited by Labcorp Genetics (formerly Invitae), Labcorp).

NM_001130438.3(SPTAN1):c.5509G>A (p.Asp1837Asn)

Gene: SPTAN1 (spectrin alpha, non-erythrocytic 1; plus strand). Cytogenetic location: 9q34.11.
Variant type: single nucleotide variant.
Coding change: c.5509G>A on transcript NM_001130438.3 (MANE Select); coding-DNA position 5509, G replaced by A.
Protein change: p.Asp1837Asn; replaces aspartic acid 1837 with asparagine.
Molecular consequence: missense variant.
Genome position (GRCh38, 1-based): chr9:128,618,017, G>A. VCF-style: chr9-128618017-G-A. GRCh37 (hg19) VCF-style: chr9-131380296-G-A.
Other names: c.5434G>A, p.Asp1812Asn (NM_001195532.2); c.5509G>A, p.Asp1837Asn (NM_001363759.2, NM_001375310.1, NM_001375311.2 and 1 more transcripts); c.5449G>A, p.Asp1817Asn (NM_001363765.2, NM_001375314.2); c.5545G>A, p.Asp1849Asn (NM_001375312.2, NM_001375318.1); c.5494G>A, p.Asp1832Asn (NM_003127.4); short protein forms D1812N, D1817N, D1832N, D1837N, D1849N.
Identifiers: ClinVar variation 2436392 (VCV002436392.6), dbSNP rs747206756, ClinGen allele CA5265490.